The following is an entry in ClinVar:

NM_000465.4(BARD1):c.438G>T (p.Trp146Cys)

Gene: BARD1 (BRCA1 associated RING domain 1; minus strand). Cytogenetic location: 2q35.
Variant type: single nucleotide variant.
Coding change: c.438G>T on transcript NM_000465.4 (MANE Select); coding-DNA position 438, G replaced by T.
Protein change: p.Trp146Cys; replaces tryptophan 146 with cysteine.
Molecular consequence: missense variant. On other transcripts: non-coding transcript variant (2), intron variant (3).
Genome position (GRCh38, 1-based): chr2:214,781,436, C>A on the plus strand (G>T on the coding strand, the complement: BARD1 is on the minus strand). VCF-style: chr2-214781436-C-A. GRCh37 (hg19) VCF-style: chr2-215646160-C-A.
Other names: c.381G>T, p.Trp127Cys (NM_001282543.2); c.158+27976G>T (NM_001282548.2); c.215+15625G>T (NM_001282545.2); c.364+10861G>T (NM_001282549.2); short protein forms W146C, W127C.
Identifiers: ClinVar variation 141512 (VCV000141512.6), dbSNP rs587781806, ClinGen allele CA165660.
Genomic context (GRCh38, chr2:214,781,436, plus strand): 5'-CTGGGTTTGCACTGAAGCTTTACTCACAACATATCTGACTTTCTTACTTCGAGGGCTAAA[C>A]CACATTTTAATTGAATTCTTCTTGTTTCCTGCATCATTAAACAAACTTTTCCTAGGTTTA-3'
Protein context (NP_000456.2, residues 136-156): AGNKKNSIKM[Trp146Cys]FSPRSKKVRY

ClinVar aggregate classification (germline): Uncertain significance (1 of 4 stars; one submission).

Conditions:
Hereditary cancer-predisposing syndrome. Also called: Neoplastic Syndromes, Hereditary; Tumor predisposition; Hereditary Cancer Syndrome; Hereditary neoplastic syndrome. Identifiers: Orphanet 140162, MedGen C0027672, MeSH D009386, MONDO:0015356.

Submission:

Ambry Genetics
Classification: Uncertain significance for Hereditary cancer-predisposing syndrome. Last evaluated: 2025-10-23. Review status: criteria provided, single submitter. Criteria: Ambry Variant Classification Scheme 2023. Collection method: clinical testing. Allele origin: germline.
Comment: The p.W146C variant (also known as c.438G>T), located in coding exon 4 of the BARD1 gene, results from a G to T substitution at nucleotide position 438. The tryptophan at codon 146 is replaced by cysteine, an amino acid with highly dissimilar properties. Functional analyses demonstrated that this variant retains 120% homology-directed repair function compared to wild-type (Lee C et al. Hum. Mutat. 2015 Dec;36(12):1205-14). This amino acid position is highly conserved in available vertebrate species. In addition, this alteration is predicted to be deleterious by in silico analysis. Since supporting evidence is limited at this time, the clinical significance of this alteration remains unclear.

Literature cited by the submitters: PubMed 26350354.